The following is an entry in ClinVar:

ClinVar aggregate classification (germline): Uncertain significance (1 of 4 stars; one submission).

Conditions:
STAT3 gain of function. Identifiers: MedGen C4288261.
Hyper-IgE recurrent infection syndrome 1, autosomal dominant. Also called: JOB SYNDROME; Job's Syndrome; STAT3 Hyper IgE Syndrome; Hyper-IgE recurrent infection syndrome 1; HYPER-IgE SYNDROME 1, AUTOSOMAL DOMINANT, WITH RECURRENT INFECTIONS. Identifiers: Orphanet 2314, MedGen C2936739, MONDO:0007818, OMIM 147060.

Submission:

Labcorp Genetics (formerly Invitae), Labcorp
Classification: Uncertain significance for STAT3 gain of function; Hyper-IgE recurrent infection syndrome 1, autosomal dominant. Last evaluated: 2025-06-22. Review status: criteria provided, single submitter. Criteria: Invitae Variant Classification Sherloc (09022015). Collection method: clinical testing. Allele origin: germline.
Comment: This sequence change replaces asparagine, which is neutral and polar, with isoleucine, which is neutral and non-polar, at codon 466 of the STAT3 protein (p.Asn466Ile). This variant is not present in population databases (gnomAD no frequency). This missense change has been observed in individual(s) with hyper IgE syndrome (PMID: 27333819). Invitae Evidence Modeling of protein sequence and biophysical properties (such as structural, functional, and spatial information, amino acid conservation, physicochemical variation, residue mobility, and thermodynamic stability) indicates that this missense variant is expected to disrupt STAT3 protein function with a positive predictive value of 80%. This variant disrupts the p.Asn466 amino acid residue in STAT3. Other variant(s) that disrupt this residue have been determined to be pathogenic (PMID: 20159255; internal data). This suggests that this residue is clinically significant, and that variants that disrupt this residue are likely to be disease-causing. In summary, the available evidence is currently insufficient to determine the role of this variant in disease. Therefore, it has been classified as a Variant of Uncertain Significance.

Literature cited by the submitters: PubMed 27333819; PubMed 20159255.

NM_139276.3(STAT3):c.1397A>T (p.Asn466Ile)

Gene: STAT3 (signal transducer and activator of transcription 3; minus strand). Cytogenetic location: 17q21.2.
Variant type: single nucleotide variant.
Coding change: c.1397A>T on transcript NM_139276.3 (MANE Select); coding-DNA position 1397, A replaced by T.
Protein change: p.Asn466Ile; replaces asparagine 466 with isoleucine.
Molecular consequence: missense variant.
Genome position (GRCh38, 1-based): chr17:42,325,030, T>A on the plus strand (A>T on the coding strand, the complement: STAT3 is on the minus strand). VCF-style: chr17-42325030-T-A. GRCh37 (hg19) VCF-style: chr17-40477048-T-A.
Other names: c.1397A>T, p.Asn466Ile (NM_001369513.1, NM_001369514.1, NM_001369516.1 and 11 more transcripts); c.1313A>T, p.Asn438Ile (NM_001384984.1); c.1319A>T, p.Asn440Ile (NM_001384985.1); c.1412A>T, p.Asn471Ile (NM_001384986.1, NM_001384990.1); c.1301A>T, p.Asn434Ile (NM_001384989.1); c.1337A>T, p.Asn446Ile (NM_001384992.1); short protein forms N446I, N466I, N471I, N438I, N434I, N440I.
Identifiers: ClinVar variation 4783825 (VCV004783825.1).